The following is an entry in ClinVar:

NM_000238.4(KCNH2):c.2624C>T (p.Thr875Met)

Gene: KCNH2 (potassium voltage-gated channel subfamily H member 2; minus strand). Cytogenetic location: 7q36.1.
Variant type: single nucleotide variant.
Coding change: c.2624C>T on transcript NM_000238.4 (MANE Select); coding-DNA position 2624, C replaced by T.
Protein change: p.Thr875Met; replaces threonine 875 with methionine.
Molecular consequence: missense variant. On other transcripts: non-coding transcript variant (2).
Genome position (GRCh38, 1-based): chr7:150,948,512, G>A on the plus strand (C>T on the coding strand, the complement: KCNH2 is on the minus strand). VCF-style: chr7-150948512-G-A. GRCh37 (hg19) VCF-style: chr7-150645600-G-A.
Other names: p.T875M:ACG>ATG; c.2624C>T (LRG_288t1); c.2336C>T, p.Thr779Met (NM_001406753.1); c.1604C>T, p.Thr535Met (NM_172057.3); short protein forms T535M, T875M, T779M.
Identifiers: ClinVar variation 67420 (VCV000067420.17), dbSNP rs140743924, ClinGen allele CA007057.

ClinVar aggregate classification (germline): Uncertain significance. Review status: criteria provided, multiple submitters, no conflicts (2 of 4 stars). 6 submissions from 6 submitters: Uncertain significance (5). 1 of the submissions does not count toward it. Last evaluated 2026-01-19.

Conditions:
Cardiac arrhythmia. Also called: Cardiac rhythm disease; Arrhythmia. Identifiers: MedGen C0003811, MONDO:0007263, HP:0011675.
Cardiovascular phenotype. Identifiers: MedGen CN230736.
Long QT syndrome (LQTS). Identifiers: MedGen C0023976, MeSH D008133, MONDO:0002442. Disease mechanism: loss of function. Inheritance: Various modes of inheritance.

Allele frequency attached by ClinVar (database versions not stated): gnomAD exomes 0.00001 and 0.00002; gnomAD 0.00003; TOPMed 0.00002; ExAC 0.00003; ESP Exome Variant Server 0.00008.
gnomAD v4.1: 35 of 1,565,862 alleles (0.0022%); highest among the groups gnomAD compares: South Asian, 0.0055%; no homozygotes.

Submissions (6):

Labcorp Genetics (formerly Invitae), Labcorp
Classification: Uncertain significance for Long QT syndrome. Last evaluated: 2026-01-19. Review status: criteria provided, single submitter. Criteria: Invitae Variant Classification Sherloc (09022015). Collection method: clinical testing. Allele origin: germline.
Comment: This sequence change replaces threonine, which is neutral and polar, with methionine, which is neutral and non-polar, at codon 875 of the KCNH2 protein (p.Thr875Met). The frequency data for this variant in the population databases is considered unreliable, as metrics indicate poor data quality at this position in the gnomAD database. This variant has not been reported in the literature in individuals affected with KCNH2-related conditions. ClinVar contains an entry for this variant (Variation ID: 67420). An algorithm developed to predict the effect of missense changes on protein structure and function (PolyPhen-2) suggests that this variant is likely to be tolerated. In summary, the available evidence is currently insufficient to determine the role of this variant in disease. Therefore, it has been classified as a Variant of Uncertain Significance.

GeneDx
Classification: Uncertain significance. Last evaluated: 2024-12-23. Review status: criteria provided, single submitter. Criteria: GeneDx Variant Classification Process June 2021. Collection method: clinical testing. Allele origin: germline. Affected: yes.
Comment: Not observed at significant frequency in large population cohorts (gnomAD); In silico analysis indicates that this missense variant does not alter protein structure/function; Observed among a cohort of healthy individuals screened for genetic variations in long QT syndrome (LQTS)-associated genes (PMID: 16487223); This variant is associated with the following publications: (PMID: 16487223, 22947121)

All of Us Research Program, National Institutes of Health
Classification: Uncertain significance for Long QT syndrome. Last evaluated: 2024-07-10. Review status: criteria provided, single submitter. Criteria: ACMG Guidelines, 2015. Collection method: clinical testing. Allele origin: germline. Inheritance: Autosomal dominant inheritance. Observed: 13 variant alleles, 13 heterozygotes.
Comment: This missense variant replaces threonine with methionine at codon 875 of the KCNH2 protein. Computational prediction suggests that this variant may not impact protein structure and function (internally defined REVEL score threshold <= 0.5, PMID: 27666373). To our knowledge, functional studies have not been reported for this variant. This variant has not been reported in individuals affected with cardiovascular disorders in the literature. This variant has been identified in 3/250496 chromosomes in the general population by the Genome Aggregation Database (gnomAD). The available evidence is insufficient to determine the role of this variant in disease conclusively. Therefore, this variant is classified as a Variant of Uncertain Significance.

This study involves interpretation of variants in research participants for the purpose of population health screening. Participant phenotype was not available at the time of variant classification. Additional details can be found in publication PMID: 35346344, PMCID: PMC8962531

Color Diagnostics, LLC DBA Color Health
Classification: Uncertain significance for Cardiac arrhythmia. Last evaluated: 2024-06-13. Review status: criteria provided, single submitter. Criteria: ACMG Guidelines, 2015. Collection method: clinical testing. Allele origin: germline.
Comment: This missense variant replaces threonine with methionine at codon 875 of the KCNH2 protein. Computational prediction suggests that this variant may not impact protein structure and function (internally defined REVEL score threshold <= 0.5, PMID: 27666373). To our knowledge, functional studies have not been reported for this variant. This variant has not been reported in individuals affected with cardiovascular disorders in the literature. This variant has been identified in 3/250496 chromosomes in the general population by the Genome Aggregation Database (gnomAD). The available evidence is insufficient to determine the role of this variant in disease conclusively. Therefore, this variant is classified as a Variant of Uncertain Significance.

Ambry Genetics
Classification: Uncertain significance for Cardiovascular phenotype. Last evaluated: 2020-03-18. Review status: criteria provided, single submitter. Criteria: Ambry Variant Classification Scheme 2023. Collection method: clinical testing. Allele origin: germline.

Cardiovascular Biomedical Research Unit, Royal Brompton & Harefield NHS Foundation Trust
No classification provided. Review status: no classification provided. Collection method: literature only. Allele origin: germline. Not counted in ClinVar's aggregate classification.
Comment: This variant has been reported in the following publications (PMID:16487223).

Literature cited by the submitters: PubMed 16487223 (cited by Cardiovascular Biomedical Research Unit, Royal Brompton & Harefield NHS Foundation Trust); PubMed 22581653 (cited by Cardiovascular Biomedical Research Unit, Royal Brompton & Harefield NHS Foundation Trust).